The following is an entry in ClinVar:

NM_001128159.3(VPS53):c.852C>T (p.Ile284=)

Gene: VPS53 (VPS53 subunit of GARP complex; minus strand). Cytogenetic location: 17p13.3.
Variant type: single nucleotide variant.
Coding change: c.852C>T on transcript NM_001128159.3 (MANE Select); coding-DNA position 852, C replaced by T.
Protein change: p.Ile284=; no amino-acid change (isoleucine 284 retained).
Molecular consequence: synonymous variant.
Genome position (GRCh38, 1-based): chr17:627,296, G>A on the plus strand (C>T on the coding strand, the complement: VPS53 is on the minus strand). VCF-style: chr17-627296-G-A. GRCh37 (hg19) VCF-style: chr17-530536-G-A.
Other names: c.852C>T, p.Ile284= (NM_001366253.2); c.258C>T, p.Ile86= (NM_001366254.2); c.765C>T, p.Ile255= (NM_018289.4); c.852C>T (NM_001128159.2).
Identifiers: ClinVar variation 2712332 (VCV002712332.5), dbSNP rs368549321, ClinGen allele CA8261625.
Genomic context (GRCh38, chr17:627,296, plus strand): 5'-GCGGCCGTATTTCTCCTCATAGTCCACAAGCTGGCGTTTTATCCAGGCATAGCGTCTGTC[G>A]ATTTTGTCCAGCCAGGCAACCTGGTGAAGGTGGAGATCAAAAGCCACCCCAGTGGTTAGA-3'
Protein context (NP_001121631.1, residues 274-294): ENQDVAWLDK[Ile284=]DRRYAWIKRQ

ClinVar aggregate classification (germline): Likely benign. Review status: criteria provided, single submitter (1 of 4 stars). 2 submissions from 2 submitters: Likely benign (1). 1 of the submissions does not count toward it. Last evaluated 2023-09-03.

Conditions:
VPS53-related disorder. Also called: VPS53-related condition.

Allele frequency attached by ClinVar (database versions not stated): gnomAD exomes 0.00002; gnomAD 0.00004; TOPMed 0.00005; ESP Exome Variant Server 0.00008.
gnomAD v4.1: 41 of 1,613,386 alleles (0.0025%); highest among the groups gnomAD compares: Admixed American, 0.03%; no homozygotes.

Submissions (2):

Labcorp Genetics (formerly Invitae), Labcorp
Classification: Likely benign. Last evaluated: 2023-09-03. Review status: criteria provided, single submitter. Criteria: Invitae Variant Classification Sherloc (09022015). Collection method: clinical testing. Allele origin: germline.

PreventionGenetics, part of Exact Sciences
Classification: Likely benign for VPS53-related condition. Last evaluated: 2022-11-15. Review status: no assertion criteria provided. Collection method: clinical testing. Allele origin: germline. Not counted in ClinVar's aggregate classification.
Comment: This variant is classified as likely benign based on ACMG/AMP sequence variant interpretation guidelines (Richards et al. 2015 PMID: 25741868, with internal and published modifications).